The following is an entry in ClinVar:

ClinVar aggregate classification (germline): Uncertain significance (1 of 4 stars; one submission).

Submission:

Labcorp Genetics (formerly Invitae), Labcorp
Classification: Uncertain significance. Last evaluated: 2026-01-24. Review status: criteria provided, single submitter. Criteria: Invitae Variant Classification Sherloc (09022015). Collection method: clinical testing. Allele origin: germline.
Comment: This sequence change replaces arginine, which is basic and polar, with cysteine, which is neutral and slightly polar, at codon 314 of the SIAE protein (p.Arg314Cys). This variant is present in population databases (rs766290004, gnomAD 0.01%). This variant has not been reported in the literature in individuals affected with SIAE-related conditions. ClinVar contains an entry for this variant (Variation ID: 1928021). An algorithm developed to predict the effect of missense changes on protein structure and function (PolyPhen-2) suggests that this variant is likely to be disruptive. In summary, the available evidence is currently insufficient to determine the role of this variant in disease. Therefore, it has been classified as a Variant of Uncertain Significance.

NM_170601.5(SIAE):c.940C>T (p.Arg314Cys)

Gene: SIAE (sialic acid acetylesterase; minus strand). Cytogenetic location: 11q24.2.
Variant type: single nucleotide variant.
Coding change: c.940C>T on transcript NM_170601.5 (MANE Select); coding-DNA position 940, C replaced by T.
Protein change: p.Arg314Cys; replaces arginine 314 with cysteine.
Molecular consequence: missense variant.
Genome position (GRCh38, 1-based): chr11:124,647,391, G>A on the plus strand (C>T on the coding strand, the complement: SIAE is on the minus strand). VCF-style: chr11-124647391-G-A. GRCh37 (hg19) VCF-style: chr11-124517287-G-A.
Other names: c.835C>T, p.Arg279Cys (NM_001199922.2); short protein forms R314C, R279C.
Identifiers: ClinVar variation 1928021 (VCV001928021.5), dbSNP rs766290004, ClinGen allele CA6341366.